The following is an entry in ClinVar:

ClinVar aggregate classification (germline): Likely benign (1 of 4 stars; one submission).

Allele frequency attached by ClinVar (database versions not stated): gnomAD 0.00005; TOPMed 0.00005; ExAC 0.00007; ESP Exome Variant Server 0.00009; gnomAD exomes 0.00001.
gnomAD v4.1: 29 of 1,571,064 alleles (0.0018%); highest among the groups gnomAD compares: African/African-American, 0.02%; no homozygotes.

Submission:

CeGaT Center for Human Genetics Tuebingen
Classification: Likely benign. Last evaluated: 2022-08-01. Review status: criteria provided, single submitter. Criteria: CeGaT Center For Human Genetics Tuebingen Variant Classification Criteria Version 2. Collection method: clinical testing. Allele origin: germline. Affected: yes. Observed: 1 variant allele.
Comment: ZNF831: BP4, BP7

NM_178457.3(ZNF831):c.1170C>T (p.Pro390=)

Gene: ZNF831 (zinc finger protein 831; plus strand). Cytogenetic location: 20q13.32.
Variant type: single nucleotide variant.
Coding change: c.1170C>T on transcript NM_178457.3 (MANE Select); coding-DNA position 1170, C replaced by T.
Protein change: p.Pro390=; no amino-acid change (proline 390 retained).
Molecular consequence: synonymous variant.
Genome position (GRCh38, 1-based): chr20:59,192,189, C>T. VCF-style: chr20-59192189-C-T. GRCh37 (hg19) VCF-style: chr20-57767244-C-T.
Other names: c.1170C>T, p.Pro390= (NM_001384354.1).
Identifiers: ClinVar variation 2652456 (VCV002652456.24), dbSNP rs113266043, ClinGen allele CA9929336.